The following is an entry in ClinVar:

ClinVar aggregate classification (germline): Benign. Review status: reviewed by expert panel (3 of 4 stars). 22 submissions from 22 submitters: Benign (1). 21 of the submissions do not count toward it. Last evaluated 2023-02-19.

Conditions:
APC-Associated Polyposis Disorders.
Hereditary cancer-predisposing syndrome. Also called: Tumor predisposition; Neoplastic Syndromes, Hereditary; Hereditary neoplastic syndrome; Hereditary Cancer Syndrome. Identifiers: Orphanet 140162, MedGen C0027672, MeSH D009386, MONDO:0015356.
Familial adenomatous polyposis 1 (FAP1). Also called: FAMILIAL ADENOMATOUS POLYPOSIS 1, ATTENUATED; POLYPOSIS, ADENOMATOUS INTESTINAL. Identifiers: MedGen C2713442, MONDO:0021056, OMIM 175100. Disease mechanism: loss of function.
Familial colorectal cancer. Identifiers: MedGen CN280943, MONDO:0023113. Disease mechanism: loss of function.
Carcinoma of colon (CRC). Also called: Colonic carcinoma; Colon carcinoma. Identifiers: MedGen C0699790, MONDO:0002032.

Allele frequency attached by ClinVar (database versions not stated): ESP Exome Variant Server 0.58643; gnomAD 0.59150 and 0.60116; TOPMed 0.60962; gnomAD exomes 0.62731 and 0.64924; ExAC 0.64811; 1000 Genomes Project 30x 0.66099; 1000 Genomes Project 0.66613.
gnomAD v4.1: 1,003,378 of 1,605,260 alleles (63%); highest among the groups gnomAD compares: East Asian, 84%; 317,121 homozygotes.

Submissions (23):

ClinGen InSiGHT Hereditary Colorectal Cancer/Polyposis Variant Curation Expert Panel
Classification: Benign for Familial adenomatous polyposis 1. Last evaluated: 2023-02-19. Review status: reviewed by expert panel. Criteria: ClinGen InSiGHT HCCP VCEP ACMG Specifications APC V1. Collection method: curation. Allele origin: germline. Inheritance: Autosomal dominant inheritance.
Comment: The c.1635G>A (p.Ala545=) variant is a synonymous (silent) variant that is not predicted to impact splicing (BP4, BP7). The highest population minor allele frequency in gnomAD v2.1.1 is 0.82 (15756 in 19198 alleles) in the East Asian population, which is higher than the ClinGen InSiGHT Hereditary Colorectal Cancer/Polyposis Variant Curation Expert Panel (HCCP VCEP) threshold (0.001) for BA1, and therefore meets this criterion (BA1). In summary, this variant meets the criteria to be classified as Benign for FAP based on the ACMG/AMP criteria applied, as specified by the HCCP VCEP: BA1, BP4, and BP7. (VCEP specifications version 1; date of approval: 12/12/2022).

Labcorp Genetics (formerly Invitae), Labcorp
Classification: Benign for Familial adenomatous polyposis 1. Last evaluated: 2026-02-04. Review status: criteria provided, single submitter. Criteria: Invitae Variant Classification Sherloc (09022015). Collection method: clinical testing. Allele origin: germline. Not counted in ClinVar's aggregate classification.

ARUP Laboratories, Molecular Genetics and Genomics, ARUP Laboratories
Classification: Benign. Last evaluated: 2025-07-30. Review status: criteria provided, single submitter. Criteria: ARUP Molecular Germline Variant Investigation Process 2024. Collection method: clinical testing. Allele origin: germline. Not counted in ClinVar's aggregate classification.

GeneKor MSA
Classification: Benign for Hereditary cancer-predisposing syndrome. Last evaluated: 2025-07-10. Review status: criteria provided, single submitter. Criteria: ACMG Guidelines, 2015. Collection method: clinical testing. Allele origin: germline. Not counted in ClinVar's aggregate classification.

Blueprint Genetics
Classification: Benign. Last evaluated: 2024-11-26. Review status: criteria provided, single submitter. Criteria: ACMG Guidelines, 2015. Collection method: clinical testing. Allele origin: germline. Not counted in ClinVar's aggregate classification.

KCCC/NGS Laboratory, Kuwait Cancer Control Center
Classification: Benign for Familial adenomatous polyposis 1. Last evaluated: 2023-07-07. Review status: criteria provided, single submitter. Criteria: ACMG Guidelines, 2015. Collection method: clinical testing. Allele origin: germline. Affected: yes. Not counted in ClinVar's aggregate classification.

Illumina Laboratory Services, Illumina
Classification: Benign for APC-Associated Polyposis Disorders. Last evaluated: 2018-01-13. Review status: criteria provided, single submitter. Criteria: ICSL Variant Classification Criteria 13 December 2019. Collection method: clinical testing. Allele origin: germline. Not counted in ClinVar's aggregate classification.
Comment: This variant was observed in the ICSL laboratory as part of a predisposition screen in an ostensibly healthy population. It had not been previously curated by ICSL or reported in the Human Gene Mutation Database (HGMD: prior to June 1st, 2018), and was therefore a candidate for classification through an automated scoring system. Utilizing variant allele frequency, disease prevalence and penetrance estimates, and inheritance mode, an automated score was calculated to assess if this variant is too frequent to cause the disease. Based on the score and internal cut-off values, a variant classified as benign is not then subjected to further curation. The score for this variant resulted in a classification of benign for this disease.

Color Diagnostics, LLC DBA Color Health
Classification: Benign for Hereditary cancer-predisposing syndrome. Last evaluated: 2016-03-18. Review status: criteria provided, single submitter. Criteria: ACMG Guidelines, 2015. Collection method: clinical testing. Allele origin: germline. Not counted in ClinVar's aggregate classification.

Eurofins Ntd Llc (ga)
Classification: Benign. Last evaluated: 2016-03-16. Review status: criteria provided, single submitter. Criteria: EGL Classification Definitions 2015. Collection method: clinical testing. Allele origin: germline. Observed: 61 variant alleles, 39 heterozygotes, 22 homozygotes. Not counted in ClinVar's aggregate classification.

GeneDx
Classification: Benign. Last evaluated: 2015-03-03. Review status: criteria provided, single submitter. Criteria: GeneDx Variant Classification Process June 2021. Collection method: clinical testing. Allele origin: germline. Affected: yes. Not counted in ClinVar's aggregate classification.

Ambry Genetics
Classification: Benign for Hereditary cancer-predisposing syndrome. Last evaluated: 2014-10-22. Review status: criteria provided, single submitter. Criteria: Ambry Variant Classification Scheme 2023. Collection method: clinical testing. Allele origin: germline. Not counted in ClinVar's aggregate classification.

PreventionGenetics, part of Exact Sciences
Classification: Benign. Review status: criteria provided, single submitter. Criteria: ACMG Guidelines, 2015. Collection method: clinical testing. Allele origin: germline. Not counted in ClinVar's aggregate classification.

Institute for Biomarker Research, Medical Diagnostic Laboratories, L.L.C.
Classification: Benign for Hereditary cancer-predisposing syndrome. Last evaluated: 2021-12-21. Review status: no assertion criteria provided. Collection method: clinical testing. Allele origin: germline. Not counted in ClinVar's aggregate classification.

Counsyl
Classification: Benign for Familial adenomatous polyposis 1. Last evaluated: 2016-05-03. Review status: no assertion criteria provided. Collection method: clinical testing. Allele origin: unknown. Not counted in ClinVar's aggregate classification.

Laboratory for Molecular Medicine, Mass General Brigham Personalized Medicine
Classification: Benign. Last evaluated: 2008-03-01. Review status: no assertion criteria provided. Collection method: clinical testing. Allele origin: germline. Observed: 29 variant alleles. Not counted in ClinVar's aggregate classification.

Clinical Genetics DNA and cytogenetics Diagnostics Lab, Erasmus MC, Erasmus Medical Center
Classification: Benign. Review status: no assertion criteria provided. Collection method: clinical testing. Allele origin: germline. Affected: yes. Study: VKGL Data-share Consensus. Not counted in ClinVar's aggregate classification.

Clinical Genetics, Academic Medical Center
Classification: Benign. Review status: no assertion criteria provided. Collection method: clinical testing. Allele origin: germline. Affected: yes. Study: VKGL Data-share Consensus. Not counted in ClinVar's aggregate classification.

Department of Pathology and Laboratory Medicine, Sinai Health System
Classification: Benign for Carcinoma of colon. Review status: no assertion criteria provided. Collection method: clinical testing. Allele origin: unknown. Affected: yes. Study: The Canadian Open Genetics Repository (COGR). Not counted in ClinVar's aggregate classification.
Comment: The c.1635G>A, p.Ala545Ala silent variant, located in exon 14 of APC, is not expected to have clinical significance because it does not alter an amino acid residue, is 9 bp away from the nearest splice junction, is listed in dbSNP (rs_id: rs351771) with a heterozygosity frequency of 0.479+/-0.099. Based on the above information, this is a likely benign variant.

Diagnostic Laboratory, Department of Genetics, University Medical Center Groningen
Classification: Benign. Review status: no assertion criteria provided. Collection method: clinical testing. Allele origin: germline. Affected: yes. Study: VKGL Data-share Consensus. Not counted in ClinVar's aggregate classification.

Dr. Peter K. Rogan Lab, Western University
No classification provided (evidence only). Condition: Familial cancer of breast. Review status: no classification provided. Collection method: in vitro. Allele origin: not applicable. Functional consequence: retained intron. Not counted in ClinVar's aggregate classification.

Joint Genome Diagnostic Labs from Nijmegen and Maastricht, Radboudumc and MUMC+
Classification: Benign. Review status: no assertion criteria provided. Collection method: clinical testing. Allele origin: germline. Affected: yes. Study: VKGL Data-share Consensus. Not counted in ClinVar's aggregate classification.

Mayo Clinic Laboratories, Mayo Clinic
Classification: Benign. Review status: no assertion criteria provided. Collection method: clinical testing. Allele origin: unknown. Not counted in ClinVar's aggregate classification.

Systems Biology Platform Zhejiang California International NanoSystems Institute
Classification: other for Familial colorectal cancer. Review status: no assertion criteria provided. Collection method: not provided. Allele origin: unknown. Not counted in ClinVar's aggregate classification.
ClinVar note: Converted during submission from cancer to other.

Literature cited by the submitters: PubMed 14616385 (cited by Laboratory for Molecular Medicine, Mass General Brigham Personalized Medicine).

NM_000038.6(APC):c.1635G>A (p.Ala545=)

Gene: APC (APC regulator of Wnt signaling pathway; plus strand). Cytogenetic location: 5q22.2.
Variant type: single nucleotide variant.
Coding change: c.1635G>A on transcript NM_000038.6 (MANE Select); coding-DNA position 1635, G replaced by A.
Protein change: p.Ala545=; no amino-acid change (alanine 545 retained).
Molecular consequence: synonymous variant.
Genome position (GRCh38, 1-based): chr5:112,828,864, G>A. VCF-style: chr5-112828864-G-A. GRCh37 (hg19) VCF-style: chr5-112164561-G-A.
Other names: NM_000038.6(APC):c.1635G>A; p.Ala545=; c.1635G>A, p.Ala545= (NM_001127510.3, NM_001354895.2); c.1581G>A, p.Ala527= (NM_001127511.3); c.1689G>A, p.Ala563= (NM_001354896.2); c.1665G>A, p.Ala555= (NM_001354897.2); c.1560G>A, p.Ala520= (NM_001354898.2); c.1551G>A, p.Ala517= (NM_001354899.2); and 7 more.
Identifiers: ClinVar variation 42239 (VCV000042239.57), dbSNP rs351771, ClinGen allele CA005411.